The following is an entry in ClinVar:

NM_001033855.3(DCLRE1C):c.1648G>C (p.Gly550Arg)

Gene: DCLRE1C (DNA cross-link repair 1C; minus strand). Cytogenetic location: 10p13.
Variant type: single nucleotide variant.
Coding change: c.1648G>C on transcript NM_001033855.3 (MANE Select); coding-DNA position 1648, G replaced by C.
Protein change: p.Gly550Arg; replaces glycine 550 with arginine.
Molecular consequence: missense variant. On other transcripts: non-coding transcript variant (4).
Genome position (GRCh38, 1-based): chr10:14,908,839, C>G on the plus strand (G>C on the coding strand, the complement: DCLRE1C is on the minus strand). VCF-style: chr10-14908839-C-G. GRCh37 (hg19) VCF-style: chr10-14950838-C-G.
Other names: c.1288G>C, p.Gly430Arg (NM_001033857.3, NM_001033858.3, NM_001289077.2 and 2 more transcripts); c.1303G>C, p.Gly435Arg (NM_001289076.2, NM_001289078.2, NM_001350966.2 and 1 more transcripts); c.1648G>C, p.Gly550Arg (NM_001350965.2); short protein forms G430R, G435R, G550R.
Identifiers: ClinVar variation 639000 (VCV000639000.10), dbSNP rs1588892551, ClinGen allele CA376075129.

ClinVar aggregate classification (germline): Uncertain significance (1 of 4 stars; one submission).

Conditions:
Severe combined immunodeficiency due to DCLRE1C deficiency (RS-SCID). Also called: SCID, AUTOSOMAL RECESSIVE, T CELL-NEGATIVE, B CELL-NEGATIVE, NK CELL-POSITIVE, WITH SENSITIVITY TO IONIZING RADIATION. Identifiers: Orphanet 275, MedGen C1865371, MONDO:0011225, OMIM 602450.

Submission:

Labcorp Genetics (formerly Invitae), Labcorp
Classification: Uncertain significance for Athabaskan severe combined immunodeficiency. Last evaluated: 2024-10-29. Review status: criteria provided, single submitter. Criteria: Invitae Variant Classification Sherloc (09022015). Collection method: clinical testing. Allele origin: germline.
Comment: This sequence change replaces glycine, which is neutral and non-polar, with arginine, which is basic and polar, at codon 550 of the DCLRE1C protein (p.Gly550Arg). This variant is not present in population databases (gnomAD no frequency). This variant has not been reported in the literature in individuals affected with DCLRE1C-related conditions. ClinVar contains an entry for this variant (Variation ID: 639000). An algorithm developed to predict the effect of missense changes on protein structure and function (PolyPhen-2) suggests that this variant is likely to be disruptive. In summary, the available evidence is currently insufficient to determine the role of this variant in disease. Therefore, it has been classified as a Variant of Uncertain Significance.